The following is an entry in ClinVar:

ClinVar aggregate classification (germline): Uncertain significance (1 of 4 stars; one submission).

Conditions:
DICER1-related tumor predisposition. Also called: DICER1-related pleuropulmonary blastoma cancer predisposition syndrome; DICER1 syndrome. Identifiers: Orphanet 284343, MedGen C3839822, MONDO:0100216.

Submission:

Labcorp Genetics (formerly Invitae), Labcorp
Classification: Uncertain significance for DICER1-related tumor predisposition. Last evaluated: 2023-05-17. Review status: criteria provided, single submitter. Criteria: Invitae Variant Classification Sherloc (09022015). Collection method: clinical testing. Allele origin: germline.
Comment: This variant has not been reported in the literature in individuals affected with DICER1-related conditions. This variant is not present in population databases (gnomAD no frequency). An algorithm developed to predict the effect of missense changes on protein structure and function (PolyPhen-2) suggests that this variant is likely to be tolerated. In summary, the available evidence is currently insufficient to determine the role of this variant in disease. Therefore, it has been classified as a Variant of Uncertain Significance. This sequence change replaces lysine, which is basic and polar, with glutamic acid, which is acidic and polar, at codon 1486 of the DICER1 protein (p.Lys1486Glu).

NM_177438.3(DICER1):c.4456A>G (p.Lys1486Glu)

Gene: DICER1 (dicer 1, ribonuclease III; minus strand). Cytogenetic location: 14q32.13.
Variant type: single nucleotide variant.
Coding change: c.4456A>G on transcript NM_177438.3 (MANE Select); coding-DNA position 4456, A replaced by G.
Protein change: p.Lys1486Glu; replaces lysine 1486 with glutamic acid.
Molecular consequence: missense variant. On other transcripts: non-coding transcript variant (6).
Genome position (GRCh38, 1-based): chr14:95,096,464, T>C on the plus strand (A>G on the coding strand, the complement: DICER1 is on the minus strand). VCF-style: chr14-95096464-T-C. GRCh37 (hg19) VCF-style: chr14-95562801-T-C.
Other names: c.4456A>G, p.Lys1486Glu (NM_001195573.1, NM_001271282.3, NM_001291628.2 and 13 more transcripts); c.4174A>G, p.Lys1392Glu (NM_001395686.1); c.4051A>G, p.Lys1351Glu (NM_001395687.1, NM_001395688.1, NM_001395689.1 and 2 more transcripts); c.3889A>G, p.Lys1297Glu (NM_001395691.1); c.2773A>G, p.Lys925Glu (NM_001395697.1); short protein forms K1351E, K1392E, K1486E, K1297E, K925E.
Identifiers: ClinVar variation 2865121 (VCV002865121.3), dbSNP rs2542501960, ClinGen allele CA390868361.